The following is an entry in ClinVar:

ClinVar aggregate classification (germline): Uncertain significance (1 of 4 stars; one submission).

Submission:

GeneDx
Classification: Uncertain significance. Last evaluated: 2024-10-28. Review status: criteria provided, single submitter. Criteria: GeneDx Variant Classification Process June 2021. Collection method: clinical testing. Allele origin: germline. Affected: yes.
Comment: Not observed at significant frequency in large population cohorts (gnomAD); In-frame duplication of 4 amino acid(s) in a non-repeat region; Has not been previously published as pathogenic or benign to our knowledge

NM_001330288.2(SMARCC2):c.3274_3285dup (p.Ala1095_Val1096insMetProGlyAla)

Gene: SMARCC2 (SWI/SNF related BAF chromatin remodeling complex subunit C2; minus strand). Cytogenetic location: 12q13.2.
Variant type: Duplication.
Coding change: c.3274_3285dup on transcript NM_001330288.2 (MANE Select); coding-DNA positions 3274 to 3285, 12 bases duplicated (ATGCCAGGGGCA).
Protein change: p.Ala1095_Val1096insMetProGlyAla.
Genome position (GRCh38, 1-based): chr12:56,164,679-56,164,690, TGCCCCTGGCAT duplicated on the plus strand (ATGCCAGGGGCA on the coding strand, the reverse complement: SMARCC2 is on the minus strand). VCF-style (leftmost placement, unchanged base first): chr12-56164678-C-CTGCCCCTGGCAT. GRCh37 (hg19) VCF-style: chr12-56558462-C-CTGCCCCTGGCAT.
Other names: c.3274_3285dup, p.Ala1095_Val1096insMetProGlyAla (NM_001130420.3, NM_139067.4); c.3181_3192dup, p.Ala1064_Val1065insMetProGlyAla (NM_003075.5).
Identifiers: ClinVar variation 3893599 (VCV003893599.1).
Genomic context (GRCh38, chr12:56,164,678, plus strand): 5'-TGCCAAAAGGCAAACCCAAAGGAGCATTACCCGCCACGCCTGGGTGCCCGCTGCCTGGCA[C>CTGCCCCTGGCAT]TGCCCCTGGCATCATTGAGGGAGGAGTTTGTTGGTTGGGGAACGGTGAGGGGCCTGAGAA-3'